The following is an entry in ClinVar:

ClinVar aggregate classification (germline): Conflicting classifications of pathogenicity. Review status: criteria provided, conflicting classifications (1 of 4 stars). 3 submissions from 2 submitters: Uncertain significance (2); Likely benign (1). Last evaluated 2024-12-05.

Conditions:
PCWH syndrome. Also called: WAARDENBURG-SHAH SYNDROME, NEUROLOGIC VARIANT. Identifiers: Orphanet 163746, MedGen C1836727, MONDO:0012198, OMIM 609136.
Waardenburg syndrome. Also called: Waardenburg's syndrome. Identifiers: Orphanet 3440, MedGen C3266898, MONDO:0018094.
SOX10-related disorder. Also called: SOX10-related condition.

Allele frequency attached by ClinVar (database versions not stated): ExAC 0.00001; gnomAD 0.00001; gnomAD exomes 0.00001; TOPMed 0.00001.
gnomAD v4.1: 12 of 1,611,808 alleles (0.00074%); highest among the groups gnomAD compares: African/African-American, 0.004%; no homozygotes.

Submissions (3):

PreventionGenetics, part of Exact Sciences
Classification: Likely benign for SOX10-related condition. Last evaluated: 2024-12-05. Review status: criteria provided, single submitter. Criteria: ACMG Guidelines, 2015. Collection method: clinical testing. Allele origin: germline.
Comment: This variant is classified as likely benign based on ACMG/AMP sequence variant interpretation guidelines (Richards et al. 2015 PMID: 25741868, with internal and published modifications).

Illumina Laboratory Services, Illumina
Classification: Uncertain significance for PCWH syndrome. Last evaluated: 2018-01-13. Review status: criteria provided, single submitter. Criteria: ICSL Variant Classification Criteria 13 December 2019. Collection method: clinical testing. Allele origin: germline.

Illumina Laboratory Services, Illumina
Classification: Uncertain significance for Waardenburg syndrome. Last evaluated: 2018-01-13. Review status: criteria provided, single submitter. Criteria: ICSL Variant Classification Criteria 13 December 2019. Collection method: clinical testing. Allele origin: germline.

NM_006941.4(SOX10):c.585C>T (p.Ala195=)

Genes: POLR2F (RNA polymerase II, I and III subunit F; plus strand), SOX10 (SRY-box transcription factor 10; minus strand). Cytogenetic location: 22q13.1.
Variant type: single nucleotide variant.
Coding change: c.585C>T on transcript NM_006941.4 (MANE Select); coding-DNA position 585, C replaced by T.
Protein change: p.Ala195=; no amino-acid change (alanine 195 retained).
Molecular consequence: synonymous variant. On other transcripts: intron variant (3).
Genome position (GRCh38, 1-based): chr22:37,977,979, G>A on the plus strand (C>T on the coding strand, the complement: SOX10 is on the minus strand). VCF-style: chr22-37977979-G-A. GRCh37 (hg19) VCF-style: chr22-38373986-G-A.
Other names: c.*38+5669G>A (NM_001363825.1); c.294-8175G>A (NM_001301130.2); c.293+10809G>A (NM_001301131.2).
Identifiers: ClinVar variation 341619 (VCV000341619.8), dbSNP rs751780784, ClinGen allele CA10228649.